The following is an entry in ClinVar:

ClinVar aggregate classification (germline): Benign/Likely benign. Review status: criteria provided, multiple submitters, no conflicts (2 of 4 stars). 7 submissions from 7 submitters: Benign (5); Likely benign (1). 1 of the submissions does not count toward it. Last evaluated 2026-02-03.

Conditions:
Leukoencephalopathy with brain stem and spinal cord involvement-high lactate syndrome (LBSL). Also called: Leukoencephalopathy with Brainstem and Spinal Cord Involvement and Lactate Elevation; LEUKOENCEPHALOPATHY WITH BRAINSTEM AND SPINAL CORD INVOLVEMENT AND LACTATE ELEVATION, MILD; MITOCHONDRIAL ASPARTYL-tRNA SYNTHETASE DEFICIENCY. Identifiers: Orphanet 137898, MedGen C1970180, MONDO:0012622, OMIM 611105.

Allele frequency attached by ClinVar (database versions not stated): TOPMed 0.01790; gnomAD 0.01810 and 0.01794; ExAC 0.01769; gnomAD exomes 0.01803 and 0.02449; 1000 Genomes Project 0.01018; 1000 Genomes Project 30x 0.01093; ESP Exome Variant Server 0.01938.
gnomAD v4.1: 38,547 of 1,609,568 alleles (2.4%); highest among the groups gnomAD compares: Middle Eastern, 4.6%; 556 homozygotes.

Submissions 1 to 29 of 60:

Labcorp Genetics (formerly Invitae), Labcorp
Classification: Benign. Last evaluated: 2026-02-03. Review status: criteria provided, single submitter. Criteria: Invitae Variant Classification Sherloc (09022015). Collection method: clinical testing. Allele origin: germline.

Blueprint Genetics
Classification: Likely benign. Last evaluated: 2024-11-25. Review status: criteria provided, single submitter. Criteria: ACMG Guidelines, 2015. Collection method: clinical testing. Allele origin: germline.

Genome-Nilou Lab
Classification: Benign for Leukoencephalopathy with brain stem and spinal cord involvement-high lactate syndrome. Last evaluated: 2023-04-11. Review status: criteria provided, single submitter. Criteria: ACMG Guidelines, 2015. Collection method: clinical testing. Allele origin: germline. Affected: no.

Illumina Laboratory Services, Illumina
Classification: Benign for Leukoencephalopathy with brain stem and spinal cord involvement-high lactate syndrome. Last evaluated: 2018-01-13. Review status: criteria provided, single submitter. Criteria: ICSL Variant Classification Criteria 13 December 2019. Collection method: clinical testing. Allele origin: germline.
Comment: This variant was observed in the ICSL laboratory as part of a predisposition screen in an ostensibly healthy population. It had not been previously curated by ICSL or reported in the Human Gene Mutation Database (HGMD: prior to June 1st, 2018), and was therefore a candidate for classification through an automated scoring system. Utilizing variant allele frequency, disease prevalence and penetrance estimates, and inheritance mode, an automated score was calculated to assess if this variant is too frequent to cause the disease. Based on the score and internal cut-off values, a variant classified as benign is not then subjected to further curation. The score for this variant resulted in a classification of benign for this disease.

GeneDx
Classification: Benign. Last evaluated: 2012-06-07. Review status: criteria provided, single submitter. Criteria: GeneDx Variant Classification (06012015). Collection method: clinical testing. Allele origin: germline. Affected: yes.
Comment: This variant is considered likely benign or benign based on one or more of the following criteria: it is a conservative change, it occurs at a poorly conserved position in the protein, it is predicted to be benign by multiple in silico algorithms, and/or has population frequency not consistent with disease.

Breakthrough Genomics
Classification: Benign. Review status: criteria provided, single submitter. Criteria: ACMG Guidelines, 2015. Collection method: not provided. Allele origin: germline. Inheritance: Autosomal recessive inheritance. Affected: yes.

Mayo Clinic Laboratories, Mayo Clinic
Classification: Benign. Last evaluated: 2017-10-31. Review status: no assertion criteria provided. Collection method: clinical testing. Allele origin: unknown. Not counted in ClinVar's aggregate classification.

Dr. Peter K. Rogan Lab, Western University
No classification provided (evidence only). Condition: Clear cell carcinoma of kidney. Review status: no classification provided. Collection method: in vitro. Allele origin: not applicable. Functional consequence: skipped exon. Not counted in ClinVar's aggregate classification.

Dr. Peter K. Rogan Lab, Western University
No classification provided (evidence only). Condition: Clear cell carcinoma of kidney. Review status: no classification provided. Collection method: in vitro. Allele origin: not applicable. Functional consequence: retained intron. Not counted in ClinVar's aggregate classification.

Dr. Peter K. Rogan Lab, Western University
No classification provided (evidence only). Condition: Clear cell carcinoma of kidney. Review status: no classification provided. Collection method: in vitro. Allele origin: not applicable. Functional consequence: retained intron. Not counted in ClinVar's aggregate classification.

Dr. Peter K. Rogan Lab, Western University
No classification provided (evidence only). Condition: Clear cell carcinoma of kidney. Review status: no classification provided. Collection method: in vitro. Allele origin: not applicable. Functional consequence: retained intron. Not counted in ClinVar's aggregate classification.

Dr. Peter K. Rogan Lab, Western University
No classification provided (evidence only). Condition: Clear cell carcinoma of kidney. Review status: no classification provided. Collection method: in vitro. Allele origin: not applicable. Functional consequence: retained intron. Not counted in ClinVar's aggregate classification.

Dr. Peter K. Rogan Lab, Western University
No classification provided (evidence only). Condition: Clear cell carcinoma of kidney. Review status: no classification provided. Collection method: in vitro. Allele origin: not applicable. Functional consequence: retained intron. Not counted in ClinVar's aggregate classification.

Dr. Peter K. Rogan Lab, Western University
No classification provided (evidence only). Condition: Clear cell carcinoma of kidney. Review status: no classification provided. Collection method: in vitro. Allele origin: not applicable. Functional consequence: skipped exon. Not counted in ClinVar's aggregate classification.

Dr. Peter K. Rogan Lab, Western University
No classification provided (evidence only). Condition: Clear cell carcinoma of kidney. Review status: no classification provided. Collection method: in vitro. Allele origin: not applicable. Functional consequence: retained intron. Not counted in ClinVar's aggregate classification.

Dr. Peter K. Rogan Lab, Western University
No classification provided (evidence only). Condition: Clear cell carcinoma of kidney. Review status: no classification provided. Collection method: in vitro. Allele origin: not applicable. Functional consequence: retained intron. Not counted in ClinVar's aggregate classification.

Dr. Peter K. Rogan Lab, Western University
No classification provided (evidence only). Condition: Clear cell carcinoma of kidney. Review status: no classification provided. Collection method: in vitro. Allele origin: not applicable. Functional consequence: retained intron. Not counted in ClinVar's aggregate classification.

Dr. Peter K. Rogan Lab, Western University
No classification provided (evidence only). Condition: Clear cell carcinoma of kidney. Review status: no classification provided. Collection method: in vitro. Allele origin: not applicable. Functional consequence: skipped exon. Not counted in ClinVar's aggregate classification.

Dr. Peter K. Rogan Lab, Western University
No classification provided (evidence only). Condition: Familial pancreatic carcinoma. Review status: no classification provided. Collection method: in vitro. Allele origin: not applicable. Functional consequence: retained intron. Not counted in ClinVar's aggregate classification.

Dr. Peter K. Rogan Lab, Western University
No classification provided (evidence only). Condition: Familial pancreatic carcinoma. Review status: no classification provided. Collection method: in vitro. Allele origin: not applicable. Functional consequence: skipped exon, retained intron. Not counted in ClinVar's aggregate classification.

Dr. Peter K. Rogan Lab, Western University
No classification provided (evidence only). Condition: Lymphoma. Review status: no classification provided. Collection method: in vitro. Allele origin: not applicable. Functional consequence: retained intron. Not counted in ClinVar's aggregate classification.

Dr. Peter K. Rogan Lab, Western University
No classification provided (evidence only). Condition: Ovarian cancer. Review status: no classification provided. Collection method: in vitro. Allele origin: not applicable. Functional consequence: retained intron. Not counted in ClinVar's aggregate classification.

Dr. Peter K. Rogan Lab, Western University
No classification provided (evidence only). Condition: Ovarian cancer. Review status: no classification provided. Collection method: in vitro. Allele origin: not applicable. Functional consequence: skipped exon, retained intron. Not counted in ClinVar's aggregate classification.

Dr. Peter K. Rogan Lab, Western University
No classification provided (evidence only). Condition: Clear cell carcinoma of kidney. Review status: no classification provided. Collection method: in vitro. Allele origin: not applicable. Functional consequence: retained intron. Not counted in ClinVar's aggregate classification.

Dr. Peter K. Rogan Lab, Western University
No classification provided (evidence only). Condition: Clear cell carcinoma of kidney. Review status: no classification provided. Collection method: in vitro. Allele origin: not applicable. Functional consequence: retained intron. Not counted in ClinVar's aggregate classification.

Dr. Peter K. Rogan Lab, Western University
No classification provided (evidence only). Condition: Acute myeloid leukemia. Review status: no classification provided. Collection method: in vitro. Allele origin: not applicable. Functional consequence: skipped exon. Not counted in ClinVar's aggregate classification.

Dr. Peter K. Rogan Lab, Western University
No classification provided (evidence only). Condition: Acute myeloid leukemia. Review status: no classification provided. Collection method: in vitro. Allele origin: not applicable. Functional consequence: skipped exon, retained intron. Not counted in ClinVar's aggregate classification.

Dr. Peter K. Rogan Lab, Western University
No classification provided (evidence only). Condition: Acute myeloid leukemia. Review status: no classification provided. Collection method: in vitro. Allele origin: not applicable. Functional consequence: retained intron. Not counted in ClinVar's aggregate classification.

Dr. Peter K. Rogan Lab, Western University
No classification provided (evidence only). Condition: Acute myeloid leukemia. Review status: no classification provided. Collection method: in vitro. Allele origin: not applicable. Functional consequence: skipped exon. Not counted in ClinVar's aggregate classification.

NM_018122.5(DARS2):c.397-6T>G

Gene: DARS2 (aspartyl-tRNA synthetase 2, mitochondrial; plus strand). Cytogenetic location: 1q25.1.
Variant type: single nucleotide variant.
Coding change: c.397-6T>G on transcript NM_018122.5 (MANE Select); 6 bases into the intron before coding-DNA position 397, T replaced by G.
Molecular consequence: intron variant.
Genome position (GRCh38, 1-based): chr1:173,831,529, T>G. VCF-style: chr1-173831529-T-G. GRCh37 (hg19) VCF-style: chr1-173800667-T-G.
Other names: c.397-6T>G (NM_001365212.1, NM_001365213.2).
Identifiers: ClinVar variation 137071 (VCV000137071.20), dbSNP rs115051769, ClinGen allele CA290569.